The following is an entry in ClinVar:

NM_018136.5(ASPM):c.9961C>T (p.Gln3321Ter)

Gene: ASPM (assembly factor for spindle microtubules; minus strand). Cytogenetic location: 1q31.3.
Variant type: single nucleotide variant.
Coding change: c.9961C>T on transcript NM_018136.5 (MANE Select); coding-DNA position 9961, C replaced by T.
Protein change: p.Gln3321Ter; replaces glutamine 3321 with a stop codon.
Molecular consequence: nonsense.
Genome position (GRCh38, 1-based): chr1:197,089,953, G>A on the plus strand (C>T on the coding strand, the complement: ASPM is on the minus strand). VCF-style: chr1-197089953-G-A. GRCh37 (hg19) VCF-style: chr1-197059083-G-A.
Other names: c.5206C>T, p.Gln1736Ter (NM_001206846.2); short protein forms Q3321*, Q1736*.
Identifiers: ClinVar variation 489306 (VCV000489306.5), dbSNP rs1482100822, ClinGen allele CA344000428.

ClinVar aggregate classification (germline): Pathogenic. Review status: criteria provided, multiple submitters, no conflicts (2 of 4 stars). 3 submissions from 3 submitters: Pathogenic (3). Last evaluated 2023-04-11.

Conditions:
Inborn genetic diseases. Identifiers: MedGen C0950123, MeSH D030342.
Microcephaly 5, primary, autosomal recessive (MCPH5). Also called: ASPM Primary Microcephaly. Identifiers: Orphanet 2512, MedGen C1837501, MONDO:0012106, OMIM 608716.

Allele frequency attached by ClinVar (database versions not stated): gnomAD exomes below 0.00001.
gnomAD v4.1: 3 of 1,613,098 alleles (0.00019%); highest among the groups gnomAD compares: South Asian, 0.0011%; no homozygotes.

Submissions (3):

Genome-Nilou Lab
Classification: Pathogenic for Microcephaly 5, primary, autosomal recessive. Last evaluated: 2023-04-11. Review status: criteria provided, single submitter. Criteria: ACMG Guidelines, 2015. Collection method: clinical testing. Allele origin: germline. Affected: no.

Ambry Genetics
Classification: Pathogenic for Inborn genetic diseases. Last evaluated: 2021-09-24. Review status: criteria provided, single submitter. Criteria: Ambry Variant Classification Scheme 2023. Collection method: clinical testing. Allele origin: germline.
Comment: The c.9961C>T (p.Q3321*) alteration, located in exon 25 (coding exon 25) of the ASPM gene, consists of a C to T substitution at nucleotide position 9961. This changes the amino acid from a glutamine (Q) to a stop codon at amino acid position 3321. This alteration is expected to result in loss of function by premature protein truncation or nonsense-mediated mRNA decay. Based on data from gnomAD, the T allele has an overall frequency of <0.01% (1/250456) total alleles studied. The highest observed frequency was <0.01% (1/113030) of European (non-Finnish) alleles. This variant has been observed in three individuals from the same family, all of whom were included in a primary microcephaly cohort (Rasool, 2020). Based on the available evidence, this alteration is classified as pathogenic.

GeneDx
Classification: Pathogenic. Last evaluated: 2018-01-12. Review status: criteria provided, single submitter. Criteria: GeneDx Variant Classification (06012015). Collection method: clinical testing. Allele origin: germline. Affected: yes.
Comment: The Q3321X nonsense variant in the ASPM gene is predicted to cause loss of normal protein function either through protein truncation or nonsense-mediated mRNA decay. The Q3321X variant is not observed at a significant frequency in large population cohorts (Lek et al., 2016). Additionally, other nonsense variants have been reported in the Human Gene Mutation Database in association with primary microcephaly (Stenson et al., 2014).

Literature cited by the submitters: PubMed 32677750 (cited by Ambry Genetics).